The following is an entry in ClinVar:

ClinVar aggregate classification (germline): Uncertain significance (1 of 4 stars; one submission).

Conditions:
Symmetrical dyschromatosis of extremities (DSH). Also called: RETICULATE ACROPIGMENTATION OF DOHI; SYMMETRIC DYSCHROMATOSIS OF THE EXTREMITIES; DYSCHROMATOSIS SYMMETRICA HEREDITARIA 1; Dyschromatosis symmetrica hereditaria. Identifiers: Orphanet 41, MedGen C0406775, MONDO:0007483, OMIM 127400.
Aicardi-Goutieres syndrome 6 (AGS6). Identifiers: Orphanet 51, MedGen C3539013, MONDO:0014007, OMIM 615010.

Allele frequency attached by ClinVar (database versions not stated): TOPMed below 0.00001.

Submission:

Labcorp Genetics (formerly Invitae), Labcorp
Classification: Uncertain significance for Aicardi-Goutieres syndrome 6; Symmetrical dyschromatosis of extremities. Last evaluated: 2023-07-20. Review status: criteria provided, single submitter. Criteria: Invitae Variant Classification Sherloc (09022015). Collection method: clinical testing. Allele origin: germline.
Comment: This sequence change replaces aspartic acid, which is acidic and polar, with glycine, which is neutral and non-polar, at codon 1135 of the ADAR protein (p.Asp1135Gly). This variant is not present in population databases (gnomAD no frequency). This variant has not been reported in the literature in individuals affected with ADAR-related conditions. Advanced modeling of protein sequence and biophysical properties (such as structural, functional, and spatial information, amino acid conservation, physicochemical variation, residue mobility, and thermodynamic stability) performed at Invitae indicates that this missense variant is not expected to disrupt ADAR protein function. In summary, the available evidence is currently insufficient to determine the role of this variant in disease. Therefore, it has been classified as a Variant of Uncertain Significance.

NM_001111.5(ADAR):c.3404A>G (p.Asp1135Gly)

Gene: ADAR (adenosine deaminase RNA specific; minus strand). Cytogenetic location: 1q21.3.
Variant type: single nucleotide variant.
Coding change: c.3404A>G on transcript NM_001111.5 (MANE Select); coding-DNA position 3404, A replaced by G.
Protein change: p.Asp1135Gly; replaces aspartic acid 1135 with glycine.
Molecular consequence: missense variant.
Genome position (GRCh38, 1-based): chr1:154,585,256, T>C on the plus strand (A>G on the coding strand, the complement: ADAR is on the minus strand). VCF-style: chr1-154585256-T-C. GRCh37 (hg19) VCF-style: chr1-154557732-T-C.
Other names: c.2519A>G, p.Asp840Gly (NM_001025107.3, NM_001193495.2, NM_001365046.1 and 2 more transcripts); c.3431A>G, p.Asp1144Gly (NM_001365045.1); c.2441A>G, p.Asp814Gly (NM_001365049.1); c.3326A>G, p.Asp1109Gly (NM_015840.4); c.3269A>G, p.Asp1090Gly (NM_015841.4); short protein forms D1090G, D1109G, D840G, D1135G, D1144G, D814G.
Identifiers: ClinVar variation 2946741 (VCV002946741.3), dbSNP rs1696672902, ClinGen allele CA342635036.